The following is an entry in ClinVar:

ClinVar aggregate classification (germline): Likely pathogenic (1 of 4 stars; one submission).

Conditions:
Bainbridge-Ropers syndrome. Also called: Severe feeding difficulties-failure to thrive-microcephaly due to ASXL3 deficiency syndrome. Identifiers: Orphanet 352577, MedGen C4750837, MONDO:0014205, OMIM 615485.

Submission:

3billion
Classification: Likely pathogenic for Bainbridge-Ropers syndrome. Last evaluated: 2021-10-02. Review status: criteria provided, single submitter. Criteria: ACMG Guidelines, 2015. Collection method: clinical testing. Allele origin: unknown. Affected: yes. Observed: 1 heterozygote.
Comment: Stop-gained (nonsense): predicted to result in a loss or disruption of normal protein function through nonsense-mediated decay (NMD) or protein truncation. Multiple pathogenic variants are reported downstream of the variant (PVS1_VS). It is not observed in the gnomAD v2.1.1 dataset (PM2). Therefore, this variant is classified as likely pathogenic according to the recommendation of ACMG/AMP guideline.

NM_030632.3(ASXL3):c.1402G>T (p.Glu468Ter)

Gene: ASXL3 (ASXL transcriptional regulator 3; plus strand). Cytogenetic location: 18q12.1.
Variant type: single nucleotide variant.
Coding change: c.1402G>T on transcript NM_030632.3 (MANE Select); coding-DNA position 1402, G replaced by T.
Protein change: p.Glu468Ter; replaces glutamic acid 468 with a stop codon.
Molecular consequence: nonsense.
Genome position (GRCh38, 1-based): chr18:33,738,806, G>T. VCF-style: chr18-33738806-G-T. GRCh37 (hg19) VCF-style: chr18-31318770-G-T.
Other names: short protein forms E468*.
Identifiers: ClinVar variation 1320195 (VCV001320195.1), dbSNP rs2145412175, ClinGen allele CA402175237.